The following is an entry in ClinVar:

ClinVar aggregate classification (germline): Pathogenic. Review status: criteria provided, multiple submitters, no conflicts (2 of 4 stars). 2 submissions from 2 submitters: Pathogenic (2). Last evaluated 2025-04-22.

Conditions:
Familial cancer of breast. Also called: Hereditary breast cancer; BREAST CANCER, FAMILIAL; hereditary breast carcinoma. Identifiers: Orphanet 227535, MedGen C0346153, MONDO:0016419, OMIM 114480. Disease mechanism: loss of function.
Ataxia-telangiectasia syndrome (AT). Also called: Ataxia-telangiectasia, complementation group D; AT, COMPLEMENTATION GROUP C; ATAXIA-TELANGIECTASIA, COMPLEMENTATION GROUP A; ATAXIA-TELANGIECTASIA, FRESNO VARIANT; Ataxia-telangiectasia; LOUIS-BAR SYNDROME. Identifiers: Orphanet 100, MedGen C0004135, MONDO:0008840, OMIM 208900.

Submissions (2):

Myriad Genetics, Inc.
Classification: Pathogenic for Familial cancer of breast. Last evaluated: 2025-04-22. Review status: criteria provided, single submitter. Criteria: Myriad Autosomal Dominant, Autosomal Recessive and X-Linked Classification Criteria (2023). Collection method: clinical testing. Allele origin: unknown.
Comment: This variant is considered pathogenic. This variant creates a frameshift predicted to result in premature protein truncation.

Labcorp Genetics (formerly Invitae), Labcorp
Classification: Pathogenic for Ataxia-telangiectasia syndrome. Last evaluated: 2021-08-26. Review status: criteria provided, single submitter. Criteria: Invitae Variant Classification Sherloc (09022015). Collection method: clinical testing. Allele origin: germline.
Comment: This sequence change creates a premature translational stop signal (p.Leu2517Metfs*6) in the ATM gene. It is expected to result in an absent or disrupted protein product. Loss-of-function variants in ATM are known to be pathogenic (PMID: 23807571, 25614872). This variant is not present in population databases (ExAC no frequency). This variant has not been reported in the literature in individuals affected with ATM-related conditions. For these reasons, this variant has been classified as Pathogenic.

Literature cited by the submitters: PubMed 23807571 (cited by Labcorp Genetics (formerly Invitae), Labcorp); PubMed 25614872 (cited by Labcorp Genetics (formerly Invitae), Labcorp).

NM_000051.4(ATM):c.7549_7562delinsATG (p.Leu2517fs)

Genes: C11orf65 (chromosome 11 open reading frame 65; minus strand), ATM (ATM serine/threonine kinase; plus strand). Cytogenetic location: 11q22.3.
Variant type: Indel.
Coding change: c.7549_7562delinsATG on transcript NM_000051.4 (MANE Select); coding-DNA positions 7549 to 7562, TTGCCTCTTATGTA replaced by ATG.
Protein change: p.Leu2517fs; shifts the reading frame from leucine 2517.
Molecular consequence: frameshift variant. On other transcripts: non-coding transcript variant (1), intron variant (2).
Genome position (GRCh38, 1-based): chr11:108,331,477-108,331,490, TTGCCTCTTATGTA replaced by ATG. VCF-style: chr11-108331477-TTGCCTCTTATGTA-ATG. GRCh37 (hg19) VCF-style: chr11-108202204-TTGCCTCTTATGTA-ATG.
Other names: c.7549_7562delTTGCCTCTTATGTAinsATG, p.Leu2517Metfs (NM_000051.3); c.7549_7562delinsATG, p.Leu2517fs (NM_001351834.2); c.641-22419_641-22406delinsCAT (NM_001330368.2); c.*38+3730_*38+3743delinsCAT (NM_001351110.2); short protein forms L2517fs.
Identifiers: ClinVar variation 653860 (VCV000653860.8), dbSNP rs1591167422, ClinGen allele CA915948288.